The following is an entry in ClinVar:

ClinVar aggregate classification (germline): Likely benign. Review status: criteria provided, single submitter (1 of 4 stars). 2 submissions from 2 submitters: Likely benign (1). 1 of the submissions does not count toward it. Last evaluated 2025-11-19.

Conditions:
ATP8B1-related disorder. Also called: ATP8B1-related disorders; ATP8B1-related condition.

Allele frequency attached by ClinVar (database versions not stated): ExAC 0.00002; 1000 Genomes Project 0.00060; 1000 Genomes Project 30x 0.00062.
gnomAD v4.1: 13 of 1,614,148 alleles (0.00081%); highest among the groups gnomAD compares: African/African-American, 0.004%; no homozygotes.

Submissions (2):

Labcorp Genetics (formerly Invitae), Labcorp
Classification: Likely benign. Last evaluated: 2025-11-19. Review status: criteria provided, single submitter. Criteria: Invitae Variant Classification Sherloc (09022015). Collection method: clinical testing. Allele origin: germline.

PreventionGenetics, part of Exact Sciences
Classification: Likely benign for ATP8B1-related condition. Last evaluated: 2021-09-01. Review status: no assertion criteria provided. Collection method: clinical testing. Allele origin: germline. Not counted in ClinVar's aggregate classification.
Comment: This variant is classified as likely benign based on ACMG/AMP sequence variant interpretation guidelines (Richards et al. 2015 PMID: 25741868, with internal and published modifications).

NM_001374385.1(ATP8B1):c.1299C>T (p.Pro433=)

Gene: ATP8B1 (ATPase phospholipid transporting 8B1; minus strand). Cytogenetic location: 18q21.31.
Variant type: single nucleotide variant.
Coding change: c.1299C>T on transcript NM_001374385.1 (MANE Select); coding-DNA position 1299, C replaced by T.
Protein change: p.Pro433=; no amino-acid change (proline 433 retained).
Molecular consequence: synonymous variant.
Genome position (GRCh38, 1-based): chr18:57,688,429, G>A on the plus strand (C>T on the coding strand, the complement: ATP8B1 is on the minus strand). VCF-style: chr18-57688429-G-A. GRCh37 (hg19) VCF-style: chr18-55355661-G-A.
Other names: c.1149C>T, p.Pro383= (NM_001374386.1); c.1299C>T, p.Pro433= (NM_005603.6); c.1299C>T (NM_005603.4).
Identifiers: ClinVar variation 2900926 (VCV002900926.5), dbSNP rs202128847, ClinGen allele CA8974607.